The following is an entry in ClinVar:

ClinVar aggregate classification (germline): Likely benign. Review status: criteria provided, multiple submitters, no conflicts (2 of 4 stars). 2 submissions from 2 submitters: Likely benign (2). Last evaluated 2025-09-23.

Conditions:
Neuronopathy, distal hereditary motor, type 7B. Also called: NEURONOPATHY, DISTAL HEREDITARY MOTOR, AUTOSOMAL DOMINANT 14; NEURONOPATHY, DISTAL HEREDITARY MOTOR, HARDING TYPE VIIB; NEUROPATHY, DISTAL HEREDITARY MOTOR, HARDING TYPE VIIB; NEUROPATHY, DISTAL HEREDITARY MOTOR, WITH VOCAL CORD PARALYSIS, HARDING TYPE VIIB; HMN VIIB; LOWER MOTOR NEURON DISEASE, DYNACTIN TYPE. Identifiers: Orphanet 139589, MedGen C1843315, MONDO:0011879, OMIM 607641.
Perry syndrome. Also called: PARKINSONISM WITH ALVEOLAR HYPOVENTILATION AND MENTAL DEPRESSION. Identifiers: Orphanet 178509, MedGen C1868594, MONDO:0008201, OMIM 168605.
Amyotrophic lateral sclerosis type 1 (ALS1). Also called: AMYOTROPHIC LATERAL SCLEROSIS 1, FAMILIAL. Identifiers: Orphanet 803, MedGen C1862939, MONDO:0007103, OMIM 105400.
DCTN1-related disorder. Also called: DCTN1-related condition.

Allele frequency attached by ClinVar (database versions not stated): gnomAD exomes 0.00001 and 0.00003; ExAC 0.00004; gnomAD 0.00008 and 0.00009; TOPMed 0.00011; 1000 Genomes Project 30x 0.00016; 1000 Genomes Project 0.00020; ESP Exome Variant Server 0.00038.
gnomAD v4.1: 30 of 1,614,162 alleles (0.0019%); highest among the groups gnomAD compares: African/African-American, 0.036%; no homozygotes.

Submissions (2):

PreventionGenetics, part of Exact Sciences
Classification: Likely benign for DCTN1-related condition. Last evaluated: 2025-09-23. Review status: criteria provided, single submitter. Criteria: ACMG Guidelines, 2015. Collection method: clinical testing. Allele origin: germline.
Comment: This variant is classified as likely benign based on ACMG/AMP sequence variant interpretation guidelines (Richards et al. 2015 PMID: 25741868, with internal and published modifications).

Labcorp Genetics (formerly Invitae), Labcorp
Classification: Likely benign for Amyotrophic lateral sclerosis type 1; Neuronopathy, distal hereditary motor, type 7B; Perry syndrome. Last evaluated: 2025-08-29. Review status: criteria provided, single submitter. Criteria: Invitae Variant Classification Sherloc (09022015). Collection method: clinical testing. Allele origin: germline.

NM_004082.5(DCTN1):c.1447C>T (p.Leu483=)

Gene: DCTN1 (dynactin subunit 1; minus strand). Cytogenetic location: 2p13.1.
Variant type: single nucleotide variant.
Coding change: c.1447C>T on transcript NM_004082.5 (MANE Select); coding-DNA position 1447, C replaced by T.
Protein change: p.Leu483=; no amino-acid change (leucine 483 retained).
Molecular consequence: synonymous variant. On other transcripts: non-coding transcript variant (1).
Genome position (GRCh38, 1-based): chr2:74,369,437, G>A on the plus strand (C>T on the coding strand, the complement: DCTN1 is on the minus strand). VCF-style: chr2-74369437-G-A. GRCh37 (hg19) VCF-style: chr2-74596564-G-A.
Other names: c.1447C>T (NM_004082.4); c.1387C>T, p.Leu463= (NM_001135040.3); c.1045C>T, p.Leu349= (NM_001135041.3, NM_023019.4); c.1336C>T, p.Leu446= (NM_001190836.2); c.1426C>T, p.Leu476= (NM_001190837.2); c.1396C>T, p.Leu466= (NM_001378991.1); c.1378C>T, p.Leu460= (NM_001378992.1).
Identifiers: ClinVar variation 1150362 (VCV001150362.10), dbSNP rs145369076, ClinGen allele CA1722144.